The following is an entry in ClinVar:

ClinVar aggregate classification (germline): Uncertain significance. Review status: criteria provided, multiple submitters, no conflicts (2 of 4 stars). 2 submissions from 2 submitters: Uncertain significance (2). Last evaluated 2023-12-08.

Conditions:
Neuroblastoma, susceptibility to, 3. Also called: ALK-Related Neuroblastic Tumor Susceptibility. Identifiers: Orphanet 635, MedGen C2751681, MONDO:0013083, OMIM 613014.

Submissions (2):

GeneDx
Classification: Uncertain significance. Last evaluated: 2023-12-08. Review status: criteria provided, single submitter. Criteria: GeneDx Variant Classification Process June 2021. Collection method: clinical testing. Allele origin: germline. Affected: yes.
Comment: In-frame duplication of 3 amino acids in a non-repeat region; Not observed at significant frequency in large population cohorts (gnomAD); Has not been previously published as pathogenic or benign to our knowledge

Baylor Genetics
Classification: Uncertain significance for Neuroblastoma, susceptibility to, 3. Last evaluated: 2023-08-25. Review status: criteria provided, single submitter. Criteria: ACMG Guidelines, 2015. Collection method: clinical testing. Allele origin: unknown.

NM_004304.5(ALK):c.2235_2243dup (p.Lys748_Asn749insGlyGlyLys)

Gene: ALK (ALK receptor tyrosine kinase; minus strand). Cytogenetic location: 2p23.2.
Variant type: Duplication.
Coding change: c.2235_2243dup on transcript NM_004304.5 (MANE Select); coding-DNA positions 2235 to 2243, 9 bases duplicated (AGGCGGGAA; older notation c.2235_2243dupAGGCGGGAA).
Protein change: p.Lys748_Asn749insGlyGlyLys.
Genome position (GRCh38, 1-based): chr2:29,239,792-29,239,800, TTCCCGCCT duplicated on the plus strand (AGGCGGGAA on the coding strand, the reverse complement: ALK is on the minus strand); duplicating any 9 consecutive bases within chr2:29,239,792-29,239,808 gives the same sequence; the c. name uses the placement nearest the transcript's 3' end. VCF-style (leftmost placement, unchanged base first): chr2-29239791-C-CTTCCCGCCT. GRCh37 (hg19) VCF-style: chr2-29462657-C-CTTCCCGCCT.
Other names: c.2235_2243dup (NM_004304.4).
Identifiers: ClinVar variation 2675983 (VCV002675983.2), dbSNP rs2465270248, ClinGen allele CA2658460173.